The following is an entry in ClinVar:

ClinVar aggregate classification (germline): Uncertain significance (1 of 4 stars; one submission).

Conditions:
POLR1A-related disorder. Also called: POLR1A-related condition.

Submission:

3billion
Classification: Uncertain significance for POLR1A-related disorder. Last evaluated: 2025-02-05. Review status: criteria provided, single submitter. Criteria: ACMG Guidelines, 2015. Collection method: clinical testing. Allele origin: germline. Affected: yes.
Comment: The variant is not observed in the gnomAD v4.1.0 dataset. Predicted Consequence/Location: Missense variant In silico tool predictions suggest damaging effect of the variant on gene or gene product [REVEL: 0.73 (>=0.6, sensitivity 0.68 and specificity 0.92)]. Therefore, this variant is classified as VUS according to the recommendation of ACMG/AMP guideline.

NM_015425.6(POLR1A):c.2538G>C (p.Trp846Cys)

Gene: POLR1A (RNA polymerase I subunit A; minus strand). Cytogenetic location: 2p11.2.
Variant type: single nucleotide variant.
Coding change: c.2538G>C on transcript NM_015425.6 (MANE Select); coding-DNA position 2538, G replaced by C.
Protein change: p.Trp846Cys; replaces tryptophan 846 with cysteine.
Molecular consequence: missense variant.
Genome position (GRCh38, 1-based): chr2:86,048,980, C>G on the plus strand (G>C on the coding strand, the complement: POLR1A is on the minus strand). VCF-style: chr2-86048980-C-G. GRCh37 (hg19) VCF-style: chr2-86276103-C-G.
Other names: short protein forms W846C.
Identifiers: ClinVar variation 4292767 (VCV004292767.1).